The following is an entry in ClinVar:

ClinVar aggregate classification (germline): Likely benign. Review status: criteria provided, multiple submitters, no conflicts (2 of 4 stars). 4 submissions from 4 submitters: Likely benign (4). Last evaluated 2026-01-19.

Conditions:
Cardiovascular phenotype. Identifiers: MedGen CN230736.
Myofibrillar myopathy 5. Also called: Filaminopathy (type); FILAMINOPATHY, AUTOSOMAL DOMINANT. Identifiers: Orphanet 171445, MedGen C1836050, MONDO:0012289, OMIM 609524.
Hypertrophic cardiomyopathy 26. Also called: Cardiomyopathy, familial hypertrophic, 26. Identifiers: Orphanet 75249, MedGen C4310749, MONDO:0014883, OMIM 617047.
Distal myopathy with posterior leg and anterior hand involvement. Also called: WILLIAMS DISTAL MYOPATHY. Identifiers: Orphanet 63273, MedGen C3279722, MONDO:0013550, OMIM 614065.

Allele frequency attached by ClinVar (database versions not stated): TOPMed below 0.00001; ExAC 0.00001; gnomAD exomes 0.00001.
gnomAD v4.1: 14 of 1,613,200 alleles (0.00087%); highest among the groups gnomAD compares: African/African-American, 0.004%; 1 homozygote.

Submissions (4):

Labcorp Genetics (formerly Invitae), Labcorp
Classification: Likely benign for Distal myopathy with posterior leg and anterior hand involvement; Myofibrillar myopathy 5; Hypertrophic cardiomyopathy 26. Last evaluated: 2026-01-19. Review status: criteria provided, single submitter. Criteria: Invitae Variant Classification Sherloc (09022015). Collection method: clinical testing. Allele origin: germline.

Ambry Genetics
Classification: Likely benign for Cardiovascular phenotype. Last evaluated: 2025-12-07. Review status: criteria provided, single submitter. Criteria: Ambry Variant Classification Scheme 2023. Collection method: clinical testing. Allele origin: germline.

Molecular Diagnostic Laboratory for Inherited Cardiovascular Disease, Montreal Heart Institute
Classification: Likely benign. Last evaluated: 2025-04-09. Review status: criteria provided, single submitter. Criteria: ACMG Guidelines, 2015. Collection method: clinical testing. Allele origin: germline. Affected: no.

CeGaT Center for Human Genetics Tuebingen
Classification: Likely benign. Last evaluated: 2025-01-01. Review status: criteria provided, single submitter. Criteria: CeGaT Center For Human Genetics Tuebingen Variant Classification Criteria Version 2. Collection method: clinical testing. Allele origin: germline. Affected: yes. Observed: 1 variant allele.
Comment: FLNC: BP4, BP7

NM_001458.5(FLNC):c.4464C>T (p.Ala1488=)

Gene: FLNC (filamin C; plus strand). Cytogenetic location: 7q32.1.
Variant type: single nucleotide variant.
Coding change: c.4464C>T on transcript NM_001458.5 (MANE Select); coding-DNA position 4464, C replaced by T.
Protein change: p.Ala1488=; no amino-acid change (alanine 1488 retained).
Molecular consequence: synonymous variant.
Genome position (GRCh38, 1-based): chr7:128,847,952, C>T. VCF-style: chr7-128847952-C-T. GRCh37 (hg19) VCF-style: chr7-128488006-C-T.
Other names: c.4464C>T (NM_001458.4); c.4464C>T, p.Ala1488= (NM_001127487.2).
Identifiers: ClinVar variation 1156344 (VCV001156344.23), dbSNP rs755909576, ClinGen allele CA4475351.